The following is an entry in ClinVar:

ClinVar aggregate classification (germline): Pathogenic/Likely pathogenic. Review status: criteria provided, multiple submitters, no conflicts (2 of 4 stars). 2 submissions from 2 submitters: Pathogenic (1); Likely pathogenic (1). Last evaluated 2024-04-29.

Conditions:
Adams-Oliver syndrome 6 (AOS6). Identifiers: Orphanet 974, MedGen C4225271, MONDO:0014703, OMIM 616589.

Submissions (2):

Labcorp Genetics (formerly Invitae), Labcorp
Classification: Pathogenic. Last evaluated: 2024-04-29. Review status: criteria provided, single submitter. Criteria: Invitae Variant Classification Sherloc (09022015). Collection method: clinical testing. Allele origin: germline.
Comment: This sequence change creates a premature translational stop signal (p.Gln584*) in the DLL4 gene. It is expected to result in an absent or disrupted protein product. Loss-of-function variants in DLL4 are known to be pathogenic (PMID: 26299364, 29924900). This variant is not present in population databases (gnomAD no frequency). This variant has not been reported in the literature in individuals affected with DLL4-related conditions. For these reasons, this variant has been classified as Pathogenic.

Revvity Omics, Revvity
Classification: Likely pathogenic for Adams-Oliver syndrome 6. Last evaluated: 2024-04-13. Review status: criteria provided, single submitter. Criteria: ACMG Guidelines, 2015. Collection method: clinical testing. Allele origin: germline.

Literature cited by the submitters: PubMed 26299364 (cited by Labcorp Genetics (formerly Invitae), Labcorp); PubMed 29924900 (cited by Labcorp Genetics (formerly Invitae), Labcorp).

NM_019074.4(DLL4):c.1750C>T (p.Gln584Ter)

Gene: DLL4 (delta like canonical Notch ligand 4; plus strand). Cytogenetic location: 15q15.1.
Variant type: single nucleotide variant.
Coding change: c.1750C>T on transcript NM_019074.4 (MANE Select); coding-DNA position 1750, C replaced by T.
Protein change: p.Gln584Ter; replaces glutamine 584 with a stop codon.
Molecular consequence: nonsense.
Genome position (GRCh38, 1-based): chr15:40,936,737, C>T. VCF-style: chr15-40936737-C-T. GRCh37 (hg19) VCF-style: chr15-41228935-C-T.
Other names: short protein forms Q584*.
Identifiers: ClinVar variation 3651482 (VCV003651482.3).